The following is an entry in ClinVar:

NM_018646.6(TRPV6):c.2153C>T (p.Ser718Phe)

Gene: TRPV6 (transient receptor potential cation channel subfamily V member 6; minus strand). Cytogenetic location: 7q34.
Variant type: single nucleotide variant.
Coding change: c.2153C>T on transcript NM_018646.6 (MANE Select); coding-DNA position 2153, C replaced by T.
Protein change: p.Ser718Phe; replaces serine 718 with phenylalanine.
Molecular consequence: missense variant.
Genome position (GRCh38, 1-based): chr7:142,871,852, G>A on the plus strand (C>T on the coding strand, the complement: TRPV6 is on the minus strand). VCF-style: chr7-142871852-G-A. GRCh37 (hg19) VCF-style: chr7-142569605-G-A.
Other names: c.2033C>T (NM_018646.2); short protein forms S718F.
Identifiers: ClinVar variation 2888051 (VCV002888051.4), dbSNP rs534417573, ClinGen allele CA4532298.

ClinVar aggregate classification (germline): Uncertain significance. Review status: criteria provided, multiple submitters, no conflicts (2 of 4 stars). 2 submissions from 2 submitters: Uncertain significance (2). Last evaluated 2025-08-08.

Conditions:
Inborn genetic diseases. Identifiers: MedGen C0950123, MeSH D030342.

Allele frequency attached by ClinVar (database versions not stated): ExAC 0.00001; gnomAD exomes 0.00002; TOPMed 0.00006; gnomAD 0.00009; 1000 Genomes Project 30x 0.00016; 1000 Genomes Project 0.00020.
gnomAD v4.1: 28 of 1,614,184 alleles (0.0017%); highest among the groups gnomAD compares: Admixed American, 0.04%; no homozygotes.

Submissions (2):

Ambry Genetics
Classification: Uncertain significance for Inborn genetic diseases. Last evaluated: 2025-08-08. Review status: criteria provided, single submitter. Criteria: Ambry Variant Classification Scheme 2023. Collection method: clinical testing. Allele origin: germline.

Labcorp Genetics (formerly Invitae), Labcorp
Classification: Uncertain significance. Last evaluated: 2024-04-06. Review status: criteria provided, single submitter. Criteria: Invitae Variant Classification Sherloc (09022015). Collection method: clinical testing. Allele origin: germline.
Comment: This sequence change replaces serine, which is neutral and polar, with phenylalanine, which is neutral and non-polar, at codon 718 of the TRPV6 protein (p.Ser718Phe). This variant is present in population databases (rs534417573, gnomAD 0.01%). This variant has not been reported in the literature in individuals affected with TRPV6-related conditions. Experimental studies and prediction algorithms are not available or were not evaluated, and the functional significance of this variant is currently unknown. In summary, the available evidence is currently insufficient to determine the role of this variant in disease. Therefore, it has been classified as a Variant of Uncertain Significance.